The following is an entry in ClinVar:

NM_000061.3(BTK):c.487del (p.Met163fs)

Gene: BTK (Bruton tyrosine kinase; minus strand). Cytogenetic location: Xq22.1.
Variant type: Deletion.
Coding change: c.487del on transcript NM_000061.3 (MANE Select); coding-DNA position 487, one base deleted (A; older notation c.487delA).
Protein change: p.Met163fs; shifts the reading frame from methionine 163.
Molecular consequence: frameshift variant.
Genome position (GRCh38, 1-based): chrX:101,362,594, T deleted on the plus strand (A on the coding strand, the reverse complement: BTK is on the minus strand). VCF-style (leftmost placement, unchanged base first): chrX-101362593-AT-A. GRCh37 (hg19) VCF-style: chrX-100617581-AT-A.
Other names: c.589del, p.Met197fs (NM_001287344.2); c.487del, p.Met163fs (NM_001287345.2); short protein forms M163fs, M197fs.
Identifiers: ClinVar variation 2571374 (VCV002571374.27), dbSNP rs2520610891, ClinGen allele CA2580612449.

ClinVar aggregate classification (germline): Pathogenic (1 of 4 stars; one submission).

Submission:

CeGaT Center for Human Genetics Tuebingen
Classification: Pathogenic. Last evaluated: 2023-05-01. Review status: criteria provided, single submitter. Criteria: CeGaT Center For Human Genetics Tuebingen Variant Classification Criteria Version 2. Collection method: clinical testing. Allele origin: germline. Affected: yes. Observed: 1 variant allele.
Comment: BTK: PVS1, PM2